The following is an entry in ClinVar:

ClinVar aggregate classification (germline): Uncertain significance (1 of 4 stars; one submission).

Submission:

GeneDx
Classification: Uncertain significance. Last evaluated: 2026-02-06. Review status: criteria provided, single submitter. Criteria: GeneDx Variant Classification Process June 2021. Collection method: clinical testing. Allele origin: germline. Affected: yes.
Comment: Not observed at significant frequency in large population cohorts (gnomAD); In silico analysis suggests that this missense variant does not alter protein structure/function; Reported as de novo in a cohort of patients with developmental disorders in published literature; however, a second variant in PEX13 was not reported (PMID: 33057194); This variant is associated with the following publications: (PMID: 35982159, 33057194)

NM_002618.4(PEX13):c.446C>G (p.Ala149Gly)

Gene: PEX13 (peroxisomal biogenesis factor 13; plus strand). Cytogenetic location: 2p15.
Variant type: single nucleotide variant.
Coding change: c.446C>G on transcript NM_002618.4 (MANE Select); coding-DNA position 446, C replaced by G.
Protein change: p.Ala149Gly; replaces alanine 149 with glycine.
Molecular consequence: missense variant.
Genome position (GRCh38, 1-based): chr2:61,031,772, C>G. VCF-style: chr2-61031772-C-G. GRCh37 (hg19) VCF-style: chr2-61258907-C-G.
Other names: short protein forms A149G.
Identifiers: ClinVar variation 393053 (VCV000393053.3), dbSNP rs1057524760, ClinGen allele CA16604660.